The following is an entry in ClinVar:

ClinVar aggregate classification (germline): Uncertain significance (1 of 4 stars; one submission).

Conditions:
Multiple endocrine neoplasia, type 2 (MEN2). Identifiers: Orphanet 653, MedGen C4048306, MONDO:0019003. Disease mechanism: gain of function.

Submission:

Labcorp Genetics (formerly Invitae), Labcorp
Classification: Uncertain significance for Multiple endocrine neoplasia, type 2. Last evaluated: 2021-07-26. Review status: criteria provided, single submitter. Criteria: Invitae Variant Classification Sherloc (09022015). Collection method: clinical testing. Allele origin: germline.
Comment: This variant is not present in population databases (ExAC no frequency). In summary, the available evidence is currently insufficient to determine the role of this variant in disease. Therefore, it has been classified as a Variant of Uncertain Significance. Algorithms developed to predict the effect of missense changes on protein structure and function (SIFT, PolyPhen-2, Align-GVGD) all suggest that this variant is likely to be tolerated. This variant has not been reported in the literature in individuals affected with RET-related conditions. This sequence change replaces lysine with asparagine at codon 124 of the RET protein (p.Lys124Asn). The lysine residue is weakly conserved and there is a moderate physicochemical difference between lysine and asparagine.

NM_020975.6(RET):c.372G>C (p.Lys124Asn)

Gene: RET (ret proto-oncogene; plus strand). Cytogenetic location: 10q11.21.
Variant type: single nucleotide variant.
Coding change: c.372G>C on transcript NM_020975.6 (MANE Select); coding-DNA position 372, G replaced by C.
Protein change: p.Lys124Asn; replaces lysine 124 with asparagine.
Molecular consequence: missense variant.
Genome position (GRCh38, 1-based): chr10:43,102,376, G>C. VCF-style: chr10-43102376-G-C. GRCh37 (hg19) VCF-style: chr10-43597824-G-C.
Other names: c.372G>C, p.Lys124Asn (NM_001406772.1, NM_001406773.1, NM_001406779.1 and 16 more transcripts); short protein forms K124N.
Identifiers: ClinVar variation 1443809 (VCV001443809.9), dbSNP rs2132678369, ClinGen allele CA376770684.